The following is an entry in ClinVar:

NM_000016.6(ACADM):c.859G>C (p.Gly287Arg)

Gene: ACADM (acyl-CoA dehydrogenase medium chain; plus strand). Cytogenetic location: 1p31.1.
Variant type: single nucleotide variant.
Coding change: c.859G>C on transcript NM_000016.6 (MANE Select); coding-DNA position 859, G replaced by C.
Protein change: p.Gly287Arg; replaces glycine 287 with arginine.
Molecular consequence: missense variant.
Genome position (GRCh38, 1-based): chr1:75,750,460, G>C. VCF-style: chr1-75750460-G-C. GRCh37 (hg19) VCF-style: chr1-76216145-G-C.
Other names: c.871G>C, p.Gly291Arg (NM_001127328.3); c.751G>C, p.Gly251Arg (NM_001286042.2); c.958G>C, p.Gly320Arg (NM_001286043.2); c.292G>C, p.Gly98Arg (NM_001286044.2); short protein forms G320R, G98R, G287R, G291R, G251R.
Identifiers: ClinVar variation 2004931 (VCV002004931.4), dbSNP rs2525652568, ClinGen allele CA340816939.
Genomic context (GRCh38, chr1:75,750,460, plus strand): 5'-GTGTTTTAAAGATAACATGAACTTTTGCTTTATAATATCTTAAAATACTAGGTAGCTGCT[G>C]GTGCTGTTGGATTAGCACAAAGAGCTTTGGATGAAGCTACCAAGTATGCCCTGGAAAGGA-3'
Protein context (NP_000007.1, residues 277-297): FDKTRPVVAA[Gly287Arg]AVGLAQRALD

ClinVar aggregate classification (germline): Likely pathogenic (1 of 4 stars; one submission).

Conditions:
Medium-chain acyl-coenzyme A dehydrogenase deficiency (ACADMD). Also called: ACADM DEFICIENCY; CARNITINE DEFICIENCY SECONDARY TO MEDIUM-CHAIN ACYL-CoA DEHYDROGENASE DEFICIENCY; MCADH DEFICIENCY; Medium chain acyl-CoA dehydrogenase deficiency; MCAD Deficiency; MCADD. Identifiers: Orphanet 42, MedGen C0220710, MONDO:0008721, OMIM 201450.

Allele frequency attached by ClinVar (database versions not stated): gnomAD exomes below 0.00001.
gnomAD v4.1: 1 of 1,610,856 alleles (0.000062%); highest among the groups gnomAD compares: Non-Finnish European, 0.000085%; no homozygotes.

Submission:

Labcorp Genetics (formerly Invitae), Labcorp
Classification: Likely pathogenic for Medium-chain acyl-coenzyme A dehydrogenase deficiency. Last evaluated: 2024-09-30. Review status: criteria provided, single submitter. Criteria: Invitae Variant Classification Sherloc (09022015). Collection method: clinical testing. Allele origin: germline.
Comment: This sequence change replaces glycine, which is neutral and non-polar, with arginine, which is basic and polar, at codon 287 of the ACADM protein (p.Gly287Arg). This variant is not present in population databases (gnomAD no frequency). This missense change has been observed in individual(s) with medium chain acyl-CoA dehydrogenase deficiency (internal data). In at least one individual the data is consistent with being in trans (on the opposite chromosome) from a pathogenic variant. ClinVar contains an entry for this variant (Variation ID: 2004931). Invitae Evidence Modeling of protein sequence and biophysical properties (such as structural, functional, and spatial information, amino acid conservation, physicochemical variation, residue mobility, and thermodynamic stability) has been performed for this missense variant. However, the output from this modeling did not meet the statistical confidence thresholds required to predict the impact of this variant on ACADM protein function. In summary, the currently available evidence indicates that the variant is pathogenic, but additional data are needed to prove that conclusively. Therefore, this variant has been classified as Likely Pathogenic.